The following is an entry in ClinVar:

ClinVar aggregate classification (germline): Uncertain significance (1 of 4 stars; one submission).

Conditions:
Alstrom syndrome (ALMS). Identifiers: Orphanet 64, MedGen C0268425, MONDO:0008763, OMIM 203800.

Submission:

Labcorp Genetics (formerly Invitae), Labcorp
Classification: Uncertain significance for Alstrom syndrome. Last evaluated: 2022-05-04. Review status: criteria provided, single submitter. Criteria: Invitae Variant Classification Sherloc (09022015). Collection method: clinical testing. Allele origin: germline.
Comment: In summary, the available evidence is currently insufficient to determine the role of this variant in disease. Therefore, it has been classified as a Variant of Uncertain Significance. Experimental studies and prediction algorithms are not available or were not evaluated, and the functional significance of this variant is currently unknown. This variant has not been reported in the literature in individuals affected with ALMS1-related conditions. This variant is not present in population databases (gnomAD no frequency). This sequence change replaces aspartic acid, which is acidic and polar, with glutamic acid, which is acidic and polar, at codon 2674 of the ALMS1 protein (p.Asp2674Glu).

NM_001378454.1(ALMS1):c.8019T>A (p.Asp2673Glu)

Gene: ALMS1 (ALMS1 centrosome and basal body associated protein; plus strand). Cytogenetic location: 2p13.1.
Variant type: single nucleotide variant.
Coding change: c.8019T>A on transcript NM_001378454.1 (MANE Select); coding-DNA position 8019, T replaced by A.
Protein change: p.Asp2673Glu; replaces aspartic acid 2673 with glutamic acid.
Molecular consequence: missense variant.
Genome position (GRCh38, 1-based): chr2:73,489,978, T>A. VCF-style: chr2-73489978-T-A. GRCh37 (hg19) VCF-style: chr2-73717105-T-A.
Other names: c.8022T>A, p.Asp2674Glu (NM_015120.4); short protein forms D2673E, D2674E.
Identifiers: ClinVar variation 2133438 (VCV002133438.4), dbSNP rs1205311372, ClinGen allele CA347266945.
Genomic context (GRCh38, chr2:73,489,978, plus strand): 5'-ATTTCAGAACTTTATACCTGATGAATTCAAAATCAGCAAAGGTCTTCGAATGCCATTCGA[T>A]GAAAAGATGGACCCTTGGCTGTCAGAATTAGTAGAACCTGCTTTTGTGCCACCTAAAGAA-3'
Protein context (NP_001365383.1, residues 2663-2683): KISKGLRMPF[Asp2673Glu]EKMDPWLSEL